The following is an entry in ClinVar:

ClinVar aggregate classification (germline): Uncertain significance (1 of 4 stars; one submission).

Conditions:
Muscular dystrophy-dystroglycanopathy type B6 (MDDGB6). Also called: MUSCULAR DYSTROPHY, CONGENITAL, LARGE-RELATED; MUSCULAR DYSTROPHY, CONGENITAL, TYPE 1D; MUSCULAR DYSTROPHY-DYSTROGLYCANOPATHY (CONGENITAL WITH IMPAIRED INTELLECTUAL DEVELOPMENT), TYPE B, 6. Identifiers: MedGen C1837229, MONDO:0012138, OMIM 608840.

Allele frequency attached by ClinVar (database versions not stated): ExAC 0.00004; gnomAD exomes 0.00005 and 0.00022; TOPMed 0.00005; gnomAD 0.00007; ESP Exome Variant Server 0.00023.
gnomAD v4.1: 319 of 1,600,778 alleles (0.02%); highest among the groups gnomAD compares: Non-Finnish European, 0.026%; no homozygotes.

Submission:

Labcorp Genetics (formerly Invitae), Labcorp
Classification: Uncertain significance for Muscular dystrophy-dystroglycanopathy type B6. Last evaluated: 2022-07-26. Review status: criteria provided, single submitter. Criteria: Invitae Variant Classification Sherloc (09022015). Collection method: clinical testing. Allele origin: germline.
Comment: This sequence change replaces valine, which is neutral and non-polar, with alanine, which is neutral and non-polar, at codon 40 of the LARGE1 protein (p.Val40Ala). This variant is present in population databases (rs148383806, gnomAD 0.01%). This variant has not been reported in the literature in individuals affected with LARGE1-related conditions. ClinVar contains an entry for this variant (Variation ID: 843053). Algorithms developed to predict the effect of missense changes on protein structure and function are either unavailable or do not agree on the potential impact of this missense change (SIFT: "Deleterious"; PolyPhen-2: "Benign"; Align-GVGD: "Class C0"). In summary, the available evidence is currently insufficient to determine the role of this variant in disease. Therefore, it has been classified as a Variant of Uncertain Significance.

NM_133642.5(LARGE1):c.119T>C (p.Val40Ala)

Gene: LARGE1 (LARGE xylosyl- and glucuronyltransferase 1; minus strand). Cytogenetic location: 22q12.3.
Variant type: single nucleotide variant.
Coding change: c.119T>C on transcript NM_133642.5 (MANE Select); coding-DNA position 119, T replaced by C.
Protein change: p.Val40Ala; replaces valine 40 with alanine.
Molecular consequence: missense variant.
Genome position (GRCh38, 1-based): chr22:33,650,656, A>G on the plus strand (T>C on the coding strand, the complement: LARGE1 is on the minus strand). VCF-style: chr22-33650656-A-G. GRCh37 (hg19) VCF-style: chr22-34046642-A-G.
Other names: c.119T>C, p.Val40Ala (NM_001362949.2, NM_001362951.2, NM_001362953.2 and 7 more transcripts); short protein forms V40A.
Identifiers: ClinVar variation 843053 (VCV000843053.5), dbSNP rs148383806, ClinGen allele CA10203152.